The following is an entry in ClinVar:

ClinVar aggregate classification (germline): Uncertain significance. Review status: criteria provided, multiple submitters, no conflicts (2 of 4 stars). 3 submissions from 3 submitters: Uncertain significance (3). Last evaluated 2025-10-12.

Conditions:
Inborn genetic diseases. Identifiers: MedGen C0950123, MeSH D030342.

Allele frequency attached by ClinVar (database versions not stated): ExAC 0.00007; ESP Exome Variant Server 0.00008; TOPMed 0.00009; gnomAD exomes 0.00006 and 0.00007; gnomAD 0.00007; 1000 Genomes Project 30x 0.00016; 1000 Genomes Project 0.00020.
gnomAD v4.1: 108 of 1,613,826 alleles (0.0067%); highest among the groups gnomAD compares: Non-Finnish European, 0.0086%; no homozygotes.

Submissions (3):

Labcorp Genetics (formerly Invitae), Labcorp
Classification: Uncertain significance. Last evaluated: 2025-10-12. Review status: criteria provided, single submitter. Criteria: Invitae Variant Classification Sherloc (09022015). Collection method: clinical testing. Allele origin: germline.
Comment: This sequence change replaces glycine, which is neutral and non-polar, with serine, which is neutral and polar, at codon 717 of the HERC1 protein (p.Gly717Ser). This variant is present in population databases (rs202182659, gnomAD 0.01%). This variant has not been reported in the literature in individuals affected with HERC1-related conditions. ClinVar contains an entry for this variant (Variation ID: 1318044). Invitae Evidence Modeling of protein sequence and biophysical properties (such as structural, functional, and spatial information, amino acid conservation, physicochemical variation, residue mobility, and thermodynamic stability) indicates that this missense variant is not expected to disrupt HERC1 protein function with a negative predictive value of 80%. In summary, the available evidence is currently insufficient to determine the role of this variant in disease. Therefore, it has been classified as a Variant of Uncertain Significance.

Ambry Genetics
Classification: Uncertain significance for Inborn genetic diseases. Last evaluated: 2025-01-30. Review status: criteria provided, single submitter. Criteria: Ambry Variant Classification Scheme 2023. Collection method: clinical testing. Allele origin: germline.

GeneDx
Classification: Uncertain significance. Last evaluated: 2020-01-13. Review status: criteria provided, single submitter. Criteria: GeneDx Variant Classification Process June 2021. Collection method: clinical testing. Allele origin: germline. Affected: yes.
Comment: Not observed at a significant frequency in large population cohorts (Lek et al., 2016); In silico analysis, which includes protein predictors and evolutionary conservation, supports a deleterious effect; Has not been previously published as pathogenic or benign to our knowledge

NM_003922.4(HERC1):c.2149G>A (p.Gly717Ser)

Gene: HERC1 (HECT and RLD domain containing E3 ubiquitin protein ligase family member 1; minus strand). Cytogenetic location: 15q22.31.
Variant type: single nucleotide variant.
Coding change: c.2149G>A on transcript NM_003922.4 (MANE Select); coding-DNA position 2149, G replaced by A.
Protein change: p.Gly717Ser; replaces glycine 717 with serine.
Molecular consequence: missense variant.
Genome position (GRCh38, 1-based): chr15:63,749,437, C>T on the plus strand (G>A on the coding strand, the complement: HERC1 is on the minus strand). VCF-style: chr15-63749437-C-T. GRCh37 (hg19) VCF-style: chr15-64041636-C-T.
Other names: short protein forms G717S.
Identifiers: ClinVar variation 1318044 (VCV001318044.8), dbSNP rs202182659, ClinGen allele CA7606328.
Genomic context (GRCh38, chr15:63,749,437, plus strand): 5'-GAAGAGCAGTCCATGCCAGACTATGTGATGTTCCAGCCGAAATCTGCTGAATAGCTATGC[C>T]ATCTAAGCCACTCACTTTCTTTGGTTTAGTAATAGGACCTGTGGAATTTCCCTGACCACA-3'
Protein context (NP_003913.3, residues 707-727): TKPKKVSGLD[Gly717Ser]IAIQQISAGT